The following is an entry in ClinVar:

ClinVar aggregate classification (germline): Pathogenic. Review status: criteria provided, multiple submitters, no conflicts (2 of 4 stars). 5 submissions from 5 submitters: Pathogenic (3). 2 of the submissions do not count toward it. Last evaluated 2024-11-06.

Conditions:
Junctional epidermolysis bullosa gravis of Herlitz. Also called: Herlitz-type junctional epidermolysis bullosa; EPIDERMOLYSIS BULLOSA, JUNCTIONAL 1B, SEVERE; Epidermolysis Bullosa Letalis; EPIDERMOLYSIS BULLOSA JUNCTIONALIS, HERLITZ TYPE; EPIDERMOLYSIS BULLOSA, JUNCTIONAL, HERLITZ-PEARSON TYPE; JEB-HERLITZ TYPE. Identifiers: Orphanet 79404, MedGen C0079683, MONDO:0009182, OMIM 226700.
Laryngo-onycho-cutaneous syndrome (JEB2C). Also called: SHABBIR SYNDROME; LOGIC SYNDROME; EPIDERMOLYSIS BULLOSA, JUNCTIONAL 2C, LARYNGOONYCHOCUTANEOUS. Identifiers: Orphanet 2407, MedGen C1328355, MONDO:0009513, OMIM 245660.

Allele frequency attached by ClinVar (database versions not stated): gnomAD below 0.00001 and 0.00001; ExAC 0.00001; gnomAD exomes 0.00001 and 0.00002.

Submissions (5):

Labcorp Genetics (formerly Invitae), Labcorp
Classification: Pathogenic. Last evaluated: 2024-11-06. Review status: criteria provided, single submitter. Criteria: Invitae Variant Classification Sherloc (09022015). Collection method: clinical testing. Allele origin: germline.
Comment: This sequence change creates a premature translational stop signal (p.Val51Glyfs*4) in the LAMA3 gene. It is expected to result in an absent or disrupted protein product. Loss-of-function variants in LAMA3 are known to be pathogenic (PMID: 10366601, 11810295, 12915477, 16473856, 17362460, 22434185, 23869449, 27827380, 28087116). This variant is present in population databases (rs763733524, gnomAD 0.01%). This premature translational stop signal has been observed in individual(s) with laryngoonychocutaneous syndrome (PMID: 12915477). ClinVar contains an entry for this variant (Variation ID: 42049). For these reasons, this variant has been classified as Pathogenic.

3billion
Classification: Pathogenic for Laryngo-onycho-cutaneous syndrome. Last evaluated: 2024-04-11. Review status: criteria provided, single submitter. Criteria: ACMG Guidelines, 2015. Collection method: clinical testing. Allele origin: germline. Affected: yes.
Comment: The variant is observed at an extremely low frequency in the gnomAD v4.0.0 dataset (total allele frequency: <0.001%). Predicted Consequence/Location: Intron variant Functional studies provide strong evidence of the variant having a damaging effect on the gene or gene product (PMID: 12915477). The variant has been observed in multiple (>3) similarly affected unrelated individuals (PMID: 12915477). The variant has been reported at least twice as pathogenic with clinical assertions and evidence for the classification (ClinVar ID: VCV000042049 /PMID: 12915477 /3billion dataset). Therefore, this variant is classified as Pathogenic according to the recommendation of ACMG/AMP guideline.

Women's Health and Genetics/Laboratory Corporation of America, LabCorp
Classification: Pathogenic for Laryngo-onycho-cutaneous syndrome. Last evaluated: 2022-05-23. Review status: criteria provided, single submitter. Criteria: LabCorp Variant Classification Summary - May 2015. Collection method: clinical testing. Allele origin: germline.
Comment: Variant summary: LAMA3 c.151dupG (p.Val51GlyfsX4) results in a premature termination codon, predicted to cause a truncation of the encoded protein or absence of the protein due to nonsense mediated decay, which are commonly known mechanisms for disease. The variant allele was found at a frequency of 2e-05 in 251694 control chromosomes (gnomAD and publication data), exclusively reported within the South Asian subpopulation, where it has been described as a founder mutation confined to the Punjabi population (McLean_2003). The variant, c.151dupG, has been reported in the literature in several homozygous, and at least one compound heterozygous individual affected with Laryngoonychocutaneous (or Shabbir) syndrome (McLean_2003). These data indicate that the variant is very likely to be associated with disease. This publication also reported experimental evidence evaluating an impact on protein function, and demonstrated that the variant caused a frameshift with a predicted stop codon in an exon that is specific to the laminin alpha-3a isoform, however did not result in nonsense-mediated mRNA decay due to rescue of the transcript by an alternative translation start site downstream, thus resulting in an N-terminal truncation of the laminin alpha-3a protein. The altered protein was demonstrated to be present in normal amount in patient derived skin biopsy material, however decreased cell-stromal junctions with reduced numbers of anchoring filaments were detected that is consistent with mechanism of the disease (McLean_2003). Two clinical diagnostic laboratories have submitted clinical-significance assessments for this variant to ClinVar after 2014 without evidence for independent evaluation. Both laboratories classified the variant as pathogenic. Based on the evidence outlined above, the variant was classified as pathogenic.

GeneReviews
Classification: Pathogenic for Junctional Epidermolysis Bullosa. Last evaluated: 2008-02-22. Review status: no assertion criteria provided. Collection method: curation. Allele origin: unknown. Not counted in ClinVar's aggregate classification.
ClinVar note: Converted during submission from pathologic to Pathogenic.

OMIM
Classification: Pathogenic for EPIDERMOLYSIS BULLOSA, JUNCTIONAL 2C, LARYNGOONYCHOCUTANEOUS. Last evaluated: 2003-09-15. Review status: no assertion criteria provided. Collection method: literature only. Allele origin: germline. Not counted in ClinVar's aggregate classification.

Literature cited by the submitters: PubMed 10366601 (cited by Labcorp Genetics (formerly Invitae), Labcorp); PubMed 11810295 (cited by Labcorp Genetics (formerly Invitae), Labcorp); PubMed 12915477 (cited by 4 submitters); PubMed 16473856 (cited by Labcorp Genetics (formerly Invitae), Labcorp); PubMed 17362460 (cited by Labcorp Genetics (formerly Invitae), Labcorp); PubMed 22434185 (cited by Labcorp Genetics (formerly Invitae), Labcorp); PubMed 23869449 (cited by Labcorp Genetics (formerly Invitae), Labcorp); PubMed 27827380 (cited by Labcorp Genetics (formerly Invitae), Labcorp); PubMed 28087116 (cited by Labcorp Genetics (formerly Invitae), Labcorp).

NM_000227.6(LAMA3):c.151dup (p.Val51fs)

Genes: LAMA3 (laminin subunit alpha 3; plus strand), LOC126862707 (MED14-independent group 3 enhancer GRCh37_chr18:21452354-21453553; plus strand). Cytogenetic location: 18q11.2.
Variant type: Duplication.
Coding change: c.151dup on transcript NM_000227.6 (MANE Plus Clinical); coding-DNA position 151, one base duplicated (G; older notation c.151dupG).
Protein change: p.Val51fs; shifts the reading frame from valine 51.
Molecular consequence: frameshift variant. On other transcripts: intron variant (2).
Genome position (GRCh38, 1-based): chr18:23,873,195, G duplicated. VCF-style (leftmost placement, unchanged base first): chr18-23873194-T-TG. GRCh37 (hg19) VCF-style: chr18-21453158-T-TG.
Other names: c.151dup, p.Val51fs (NM_001127718.4); c.4998+1534dup (NM_198129.4, NM_001127717.4); c.151dupG (NM_000227.4); short protein forms V51fs.
Identifiers: ClinVar variation 42049 (VCV000042049.16), dbSNP rs80356678, ClinGen allele CA341810.